The following is an entry in ClinVar:

NM_017780.4(CHD7):c.2071A>C (p.Lys691Gln)

Genes: CHD7 (chromodomain helicase DNA binding protein 7; plus strand), LOC126860403 (CDK7 strongly-dependent group 2 enhancer GRCh37_chr8:61693034-61694233; plus strand). Cytogenetic location: 8q12.2.
Variant type: single nucleotide variant.
Coding change: c.2071A>C on transcript NM_017780.4 (MANE Select); coding-DNA position 2071, A replaced by C.
Protein change: p.Lys691Gln; replaces lysine 691 with glutamine.
Molecular consequence: missense variant. On other transcripts: intron variant (1).
Genome position (GRCh38, 1-based): chr8:60,781,405, A>C. VCF-style: chr8-60781405-A-C. GRCh37 (hg19) VCF-style: chr8-61693964-A-C.
Other names: c.2071A>C (NM_017780.2, NM_017780.3); c.1716+355A>C (NM_001316690.1); short protein forms K691Q.
Identifiers: ClinVar variation 1402962 (VCV001402962.13), dbSNP rs755898600, ClinGen allele CA177335077.

ClinVar aggregate classification (germline): Uncertain significance. Review status: criteria provided, multiple submitters, no conflicts (2 of 4 stars). 5 submissions from 5 submitters: Uncertain significance (5). Last evaluated 2026-06-01.

Conditions:
Inborn genetic diseases. Identifiers: MedGen C0950123, MeSH D030342.
CHARGE syndrome (CHARGE). Also called: Hittner Hirsch Kreh syndrome; CHARGE ASSOCIATION--COLOBOMA, HEART ANOMALY, CHOANAL ATRESIA, RETARDATION, GENITAL AND EAR ANOMALIES; Coloboma, heart anomaly, choanal atresia, retardation, genital and ear anomalies; CHARGE association; Hall-Hittner syndrome. Identifiers: Orphanet 138, MedGen C0265354, MONDO:0008965.
Hypogonadotropic hypogonadism 5 with or without anosmia (KAL5). Also called: HYPOGONADOTROPIC HYPOGONADISM 5 WITH ANOSMIA; CHD7-Related GnRH Deficiency (Kallmann Syndrome 5); HYPOGONADOTROPHIC HYPOGONADISM 5 WITHOUT ANOSMIA. Identifiers: Orphanet 478, MedGen C3552553, MONDO:0012880, OMIM 612370. Disease mechanism: loss of function.

gnomAD v4.1: 18 of 1,530,188 alleles (0.0012%); highest among the groups gnomAD compares: Non-Finnish European, 0.0013%; no homozygotes.

Submissions (5):

CeGaT Center for Human Genetics Tuebingen
Classification: Uncertain significance. Last evaluated: 2026-06-01. Review status: criteria provided, single submitter. Criteria: CeGaT Center For Human Genetics Tuebingen Variant Classification Criteria Version 2. Collection method: clinical testing. Allele origin: germline. Affected: yes. Observed: 1 variant allele.

Ambry Genetics
Classification: Uncertain significance for Inborn genetic diseases. Last evaluated: 2025-10-02. Review status: criteria provided, single submitter. Criteria: Ambry Variant Classification Scheme 2023. Collection method: clinical testing. Allele origin: germline.

Labcorp Genetics (formerly Invitae), Labcorp
Classification: Uncertain significance for CHARGE syndrome. Last evaluated: 2023-08-08. Review status: criteria provided, single submitter. Criteria: Invitae Variant Classification Sherloc (09022015). Collection method: clinical testing. Allele origin: germline.
Comment: In summary, the available evidence is currently insufficient to determine the role of this variant in disease. Therefore, it has been classified as a Variant of Uncertain Significance. Advanced modeling of protein sequence and biophysical properties (such as structural, functional, and spatial information, amino acid conservation, physicochemical variation, residue mobility, and thermodynamic stability) has been performed at Invitae for this missense variant, however the output from this modeling did not meet the statistical confidence thresholds required to predict the impact of this variant on CHD7 protein function. ClinVar contains an entry for this variant (Variation ID: 1402962). This variant has not been reported in the literature in individuals affected with CHD7-related conditions. This variant is not present in population databases (gnomAD no frequency). This sequence change replaces lysine, which is basic and polar, with glutamine, which is neutral and polar, at codon 691 of the CHD7 protein (p.Lys691Gln).

GeneDx
Classification: Uncertain significance. Last evaluated: 2022-11-11. Review status: criteria provided, single submitter. Criteria: GeneDx Variant Classification Process June 2021. Collection method: clinical testing. Allele origin: germline. Affected: yes.
Comment: Not observed at significant frequency in large population cohorts (gnomAD); In silico analysis supports that this missense variant does not alter protein structure/function; Has not been previously published as pathogenic or benign to our knowledge

Fulgent Genetics
Classification: Uncertain significance for CHD7-related CHARGE syndrome; Hypogonadotropic hypogonadism 5 with or without anosmia. Last evaluated: 2022-04-02. Review status: criteria provided, single submitter. Criteria: ACMG Guidelines, 2015. Collection method: clinical testing. Allele origin: unknown.